The following is an entry in ClinVar:

NM_000355.4(TCN2):c.1196G>C (p.Arg399Pro)

Gene: TCN2 (transcobalamin 2; plus strand). Cytogenetic location: 22q12.2.
Variant type: single nucleotide variant.
Coding change: c.1196G>C on transcript NM_000355.4 (MANE Select); coding-DNA position 1196, G replaced by C.
Protein change: p.Arg399Pro; replaces arginine 399 with proline.
Molecular consequence: missense variant.
Genome position (GRCh38, 1-based): chr22:30,623,057, G>C. VCF-style: chr22-30623057-G-C. GRCh37 (hg19) VCF-style: chr22-31019044-G-C.
Other names: c.1115G>C, p.Arg372Pro (NM_001184726.2); short protein forms R372P, R399P.
Identifiers: ClinVar variation 1011883 (VCV001011883.8), dbSNP rs4820889, ClinGen allele CA323241446.

ClinVar aggregate classification (germline): Uncertain significance (1 of 4 stars; one submission).

Conditions:
Transcobalamin II deficiency (TCN2D). Also called: Transcolabamin II deficiency; TC II DEFICIENCY; TCN2 DEFICIENCY. Identifiers: Orphanet 859, MedGen C0342701, MONDO:0010149, OMIM 275350.

gnomAD v4.1: 39 of 1,613,766 alleles (0.0024%); highest among the groups gnomAD compares: Non-Finnish European, 0.0033%; no homozygotes.

Submission:

Labcorp Genetics (formerly Invitae), Labcorp
Classification: Uncertain significance for Transcobalamin II deficiency. Last evaluated: 2020-08-26. Review status: criteria provided, single submitter. Criteria: Invitae Variant Classification Sherloc (09022015). Collection method: clinical testing. Allele origin: germline.
Comment: This sequence change replaces arginine with proline at codon 399 of the TCN2 protein (p.Arg399Pro). The arginine residue is moderately conserved and there is a moderate physicochemical difference between arginine and proline. This variant is not present in population databases (ExAC no frequency). This variant has not been reported in the literature in individuals with TCN2-related conditions. Algorithms developed to predict the effect of missense changes on protein structure and function are either unavailable or do not agree on the potential impact of this missense change (SIFT: "Deleterious"; PolyPhen-2: "Possibly Damaging"; Align-GVGD: "Class C0"). In summary, the available evidence is currently insufficient to determine the role of this variant in disease. Therefore, it has been classified as a Variant of Uncertain Significance.